The following is an entry in ClinVar:

NM_198576.4(AGRN):c.3516+10G>C

Gene: AGRN (agrin; plus strand). Cytogenetic location: 1p36.33.
Variant type: single nucleotide variant.
Coding change: c.3516+10G>C on transcript NM_198576.4 (MANE Select); 10 bases into the intron after coding-DNA position 3516, G replaced by C.
Molecular consequence: intron variant.
Genome position (GRCh38, 1-based): chr1:1,047,464, G>C. VCF-style: chr1-1047464-G-C. GRCh37 (hg19) VCF-style: chr1-982844-G-C.
Other names: p.?; c.3516+10G>C (LRG_198t1, NM_001305275.2); c.3201+10G>C (NM_001364727.2).
Identifiers: ClinVar variation 128301 (VCV000128301.17), dbSNP rs76264143, ClinGen allele CA151638.
Genomic context (GRCh38, chr1:1,047,464, plus strand): 5'-GACCCCAAGTCAGAACTGTTCGGGGAGACAGCCAGGAGCATTGAGAGCACCGTAAGACGG[G>C]GGCGCAGCCCCCACCTACCCACTGGCCTTCCTCCCCAGATACCCAGAGCAGCACCAGGGC-3'

ClinVar aggregate classification (germline): Benign/Likely benign. Review status: criteria provided, multiple submitters, no conflicts (2 of 4 stars). 7 submissions from 7 submitters: Benign (5); Likely benign (1). 1 of the submissions does not count toward it. Last evaluated 2026-02-03.

Conditions:
Congenital myasthenic syndrome 8. Also called: Myasthenic syndrome, congenital, 8, with pre- and postsynaptic defects; MYASTHENIC SYNDROME, CONGENITAL, DUE TO AGRIN DEFICIENCY. Identifiers: Orphanet 590, MedGen C3808739, MONDO:0014052, OMIM 615120.

Allele frequency attached by ClinVar (database versions not stated): 1000 Genomes Project 0.03874; 1000 Genomes Project 30x 0.03919; TOPMed 0.04824; gnomAD 0.05034 and 0.05151; ESP Exome Variant Server 0.05406; ExAC 0.05768; gnomAD exomes 0.05813 and 0.06814.
gnomAD v4.1: 106,959 of 1,612,648 alleles (6.6%); highest among the groups gnomAD compares: Middle Eastern, 9.2%; 3,950 homozygotes.

Submissions (7):

Labcorp Genetics (formerly Invitae), Labcorp
Classification: Benign for Congenital myasthenic syndrome 8. Last evaluated: 2026-02-03. Review status: criteria provided, single submitter. Criteria: Invitae Variant Classification Sherloc (09022015). Collection method: clinical testing. Allele origin: germline.

Mayo Clinic Laboratories, Mayo Clinic
Classification: Benign. Last evaluated: 2017-12-22. Review status: criteria provided, single submitter. Criteria: ACMG Guidelines, 2015. Collection method: clinical testing. Allele origin: germline. Observed: 62 variant alleles.

Genomic Medicine Center of Excellence, King Faisal Specialist Hospital and Research Centre
Classification: Likely benign. Last evaluated: 2016-09-28. Review status: criteria provided, single submitter. Criteria: ACMG Guidelines, 2015. Collection method: research. Allele origin: germline. Affected: yes.

GeneDx
Classification: Benign. Last evaluated: 2016-02-04. Review status: criteria provided, single submitter. Criteria: GeneDx Variant Classification (06012015). Collection method: clinical testing. Allele origin: germline. Affected: yes.
Comment: This variant is considered likely benign or benign based on one or more of the following criteria: it is a conservative change, it occurs at a poorly conserved position in the protein, it is predicted to be benign by multiple in silico algorithms, and/or has population frequency not consistent with disease.

Breakthrough Genomics
Classification: Benign. Review status: criteria provided, single submitter. Criteria: ACMG Guidelines, 2015. Collection method: not provided. Allele origin: germline. Inheritance: Autosomal recessive inheritance. Affected: yes.

PreventionGenetics, part of Exact Sciences
Classification: Benign. Review status: criteria provided, single submitter. Criteria: ACMG Guidelines, 2015. Collection method: clinical testing. Allele origin: germline.

Genetic Services Laboratory, University of Chicago
Classification: Likely benign for AllHighlyPenetrant. Review status: no assertion criteria provided. Collection method: clinical testing. Allele origin: germline. Inheritance: Autosomal recessive inheritance. Not counted in ClinVar's aggregate classification.
Comment: Likely benign based on allele frequency in 1000 Genomes Project or ESP global frequency and its presence in a patient with a rare or unrelated disease phenotype. NOT Sanger confirmed.